The following is an entry in ClinVar:

NM_002471.4(MYH6):c.3979-9_3979-7delinsG

Gene: MYH6 (myosin heavy chain 6; minus strand). Cytogenetic location: 14q11.2.
Variant type: Indel.
Coding change: c.3979-9_3979-7delinsG on transcript NM_002471.4 (MANE Select); 9 bases into the intron before coding-DNA position 3979 through 7 bases into the intron before coding-DNA position 3979, CCT replaced by G.
Molecular consequence: intron variant.
Genome position (GRCh38, 1-based): chr14:23,389,062-23,389,064, AGG replaced by C on the plus strand (CCT replaced by G on the coding strand, the reverse complement: MYH6 is on the minus strand). VCF-style: chr14-23389062-AGG-C. GRCh37 (hg19) VCF-style: chr14-23858271-AGG-C.
Identifiers: ClinVar variation 929189 (VCV000929189.1), dbSNP rs796876119, ClinGen allele CA1139663409.

ClinVar aggregate classification (germline): Uncertain significance (1 of 4 stars; one submission).

Submission:

Women's Health and Genetics/Laboratory Corporation of America, LabCorp
Classification: Uncertain significance. Last evaluated: 2019-09-16. Review status: criteria provided, single submitter. Criteria: LabCorp Variant Classification Summary - May 2015. Collection method: clinical testing. Allele origin: germline.
Comment: Variant summary: MYH6 c.3979-9_3979-7delinsG alters a non-conserved nucleotide located close to a canonical splice site and therefore could affect mRNA splicing, leading to a significantly altered protein sequence. 5/5 computational tools predict no significant impact on normal splicing. However, these predictions have yet to be confirmed by functional studies. The variant was absent in 162742 control chromosomes (gnomAD). The available data on variant occurrences in the general population are insufficient to allow any conclusion about variant significance. To our knowledge, no occurrence of c.3979-9_3979-7delinsG in individuals affected with Cardiomyopathy and no experimental evidence demonstrating an impact on protein function have been reported. No clinical diagnostic laboratories have submitted clinical-significance assessments for this variant to ClinVar after 2014. Based on the evidence outlined above, the variant was classified as uncertain significance.